The following is an entry in ClinVar:

NM_152743.4(BRAT1):c.2254_2274del (p.Leu752_Gly758del)

Gene: BRAT1 (BRCA1 associated ATM activator 1; minus strand). Cytogenetic location: 7p22.3.
Variant type: Deletion.
Coding change: c.2254_2274del on transcript NM_152743.4 (MANE Select); coding-DNA positions 2254 to 2274, 21 bases deleted (CTGCCGAGGTGGCGGGCGGGT).
Protein change: p.Leu752_Gly758del.
Molecular consequence: inframe deletion. On other transcripts: non-coding transcript variant (1).
Genome position (GRCh38, 1-based): chr7:2,538,261-2,538,281, ACCCGCCCGCCACCTCGGCAG deleted on the plus strand (CTGCCGAGGTGGCGGGCGGGT on the coding strand, the reverse complement: BRAT1 is on the minus strand). VCF-style (leftmost placement, unchanged base first): chr7-2538260-CACCCGCCCGCCACCTCGGCAG-C. GRCh37 (hg19) VCF-style: chr7-2577894-CACCCGCCCGCCACCTCGGCAG-C.
Other names: c.2434_2454del, p.Leu812_Gly818del (NM_001350626.2); c.1729_1749del, p.Leu577_Gly583del (NM_001350627.2).
Identifiers: ClinVar variation 1490510 (VCV001490510.6), dbSNP rs2128383250, ClinGen allele CA2573142032.

ClinVar aggregate classification (germline): Uncertain significance (1 of 4 stars; one submission).

Conditions:
Neonatal-onset encephalopathy with rigidity and seizures. Also called: Lethal neonatal spasticity-epileptic encephalopathy syndrome. Identifiers: Orphanet 435845, MedGen C3281029, MONDO:0013784, OMIM 614498.

Allele frequency attached by ClinVar (database versions not stated): gnomAD exomes below 0.00001.

Submission:

Labcorp Genetics (formerly Invitae), Labcorp
Classification: Uncertain significance for Neonatal-onset encephalopathy with rigidity and seizures. Last evaluated: 2024-02-19. Review status: criteria provided, single submitter. Criteria: Invitae Variant Classification Sherloc (09022015). Collection method: clinical testing. Allele origin: germline.
Comment: This variant, c.2254_2274del, results in the deletion of 7 amino acid(s) of the BRAT1 protein (p.Leu752_Gly758del), but otherwise preserves the integrity of the reading frame. This variant is not present in population databases (gnomAD no frequency). This variant has not been reported in the literature in individuals affected with BRAT1-related conditions. ClinVar contains an entry for this variant (Variation ID: 1490510). Experimental studies and prediction algorithms are not available or were not evaluated, and the functional significance of this variant is currently unknown. In summary, the available evidence is currently insufficient to determine the role of this variant in disease. Therefore, it has been classified as a Variant of Uncertain Significance.